The following is an entry in ClinVar:

ClinVar aggregate classification (germline): Pathogenic (1 of 4 stars; one submission).

Submission:

GeneDx
Classification: Pathogenic. Last evaluated: 2025-05-07. Review status: criteria provided, single submitter. Criteria: GeneDx Variant Classification Process June 2021. Collection method: clinical testing. Allele origin: germline. Affected: yes.
Comment: Reported in the heterozygous state in a family, including a patient with Parkinson disease and his niece with dopa-responsive dystonia, in the published literature (PMID: 26862031); Canonical splice site variant in a gene for which loss-of-function is a known mechanism of disease; Not observed at significant frequency in large population cohorts (gnomAD); This variant is associated with the following publications: (PMID: 25525159, 14509676, 33875303, 26862031)

NM_000161.3(GCH1):c.509+1G>A

Gene: GCH1 (GTP cyclohydrolase 1; minus strand). Cytogenetic location: 14q22.2.
Variant type: single nucleotide variant.
Coding change: c.509+1G>A on transcript NM_000161.3 (MANE Select); the canonical splice donor site of the intron after coding-DNA position 509, G replaced by A.
Molecular consequence: splice donor variant.
Genome position (GRCh38, 1-based): chr14:54,859,680, C>T on the plus strand (G>A on the coding strand, the complement: GCH1 is on the minus strand). VCF-style: chr14-54859680-C-T. GRCh37 (hg19) VCF-style: chr14-55326398-C-T.
Other names: c.509+1G>A (NM_001424104.1, NM_001024071.2, NM_001024070.2 and 1 more transcripts); c.215+1G>A (NM_001424105.1).
Identifiers: ClinVar variation 4528243 (VCV004528243.1).